The following is an entry in ClinVar:

ClinVar aggregate classification (germline): Uncertain significance (1 of 4 stars; one submission).

gnomAD v4.1: 1 of 1,614,212 alleles (0.000062%); highest among the groups gnomAD compares: Non-Finnish European, 0.000085%; no homozygotes.

Submission:

Labcorp Genetics (formerly Invitae), Labcorp
Classification: Uncertain significance. Last evaluated: 2025-11-23. Review status: criteria provided, single submitter. Criteria: Invitae Variant Classification Sherloc (09022015). Collection method: clinical testing. Allele origin: germline.
Comment: This sequence change replaces valine, which is neutral and non-polar, with isoleucine, which is neutral and non-polar, at codon 1498 of the CELSR2 protein (p.Val1498Ile). This variant is not present in population databases (gnomAD no frequency). This variant has not been reported in the literature in individuals affected with CELSR2-related conditions. Invitae Evidence Modeling of protein sequence and biophysical properties (such as structural, functional, and spatial information, amino acid conservation, physicochemical variation, residue mobility, and thermodynamic stability) indicates that this missense variant is not expected to disrupt CELSR2 protein function with a negative predictive value of 80%. In summary, the available evidence is currently insufficient to determine the role of this variant in disease. Therefore, it has been classified as a Variant of Uncertain Significance.

NM_001408.3(CELSR2):c.4492G>A (p.Val1498Ile)

Gene: CELSR2 (cadherin EGF LAG seven-pass G-type receptor 2; plus strand). Cytogenetic location: 1p13.3.
Variant type: single nucleotide variant.
Coding change: c.4492G>A on transcript NM_001408.3 (MANE Select); coding-DNA position 4492, G replaced by A.
Protein change: p.Val1498Ile; replaces valine 1498 with isoleucine.
Molecular consequence: missense variant.
Genome position (GRCh38, 1-based): chr1:109,262,392, G>A. VCF-style: chr1-109262392-G-A. GRCh37 (hg19) VCF-style: chr1-109805014-G-A.
Other names: short protein forms V1498I.
Identifiers: ClinVar variation 4744631 (VCV004744631.1).